The following is an entry in ClinVar:

NM_007294.4(BRCA1):c.5332+6A>C

Gene: BRCA1 (BRCA1 DNA repair associated; minus strand). Cytogenetic location: 17q21.31.
Variant type: single nucleotide variant.
Coding change: c.5332+6A>C on transcript NM_007294.4 (MANE Select); 6 bases into the intron after coding-DNA position 5332, A replaced by C.
Molecular consequence: intron variant.
Genome position (GRCh38, 1-based): chr17:43,051,057, T>G on the plus strand (A>C on the coding strand, the complement: BRCA1 is on the minus strand). VCF-style: chr17-43051057-T-G. GRCh37 (hg19) VCF-style: chr17-41203074-T-G.
Other names: c.1879+6A>C (NM_001408458.1, NM_001408461.1, NM_001408464.1 and 7 more transcripts); c.4441+6A>C (NM_001407967.1); c.4951+6A>C (NM_001407959.1); c.5065+6A>C (NM_001407931.1, NM_001407932.1, NM_001407928.1 and 4 more transcripts); c.5188+6A>C (NM_001407747.1, NM_001407745.1, NM_001407737.1 and 21 more transcripts); c.4948+6A>C (NM_001407962.1, NM_001407960.1); c.1519+6A>C (NM_001408512.1); c.1642+6A>C (NM_001408510.1); and 74 more.
Identifiers: ClinVar variation 865322 (VCV000865322.3), dbSNP rs2051193269, ClinGen allele CA916081018.

Conditions:
Breast-ovarian cancer, familial, susceptibility to, 1 (BROVCA1). Also called: BRCA1 Hereditary Breast and Ovarian Cancer; OVARIAN CANCER, SUSCEPTIBILITY TO. Identifiers: Orphanet 145, MedGen C2676676, MONDO:0011450, OMIM 604370. Disease mechanism: loss of function.

Submission:

Brotman Baty Institute, University of Washington
No classification provided (evidence only). Condition: Breast-ovarian cancer, familial 1. Review status: no classification provided. Collection method: in vitro. Allele origin: not applicable. Functional consequence: functionally_normal.
ClinVar note: "not provided" was previously submitted as the classification for the variant. However, the classification appeared to be based only on an observation of functional data so it was converted to no classification on 2025-07-30.